The following is an entry in ClinVar:

ClinVar aggregate classification (germline): Uncertain significance. Review status: criteria provided, multiple submitters, no conflicts (2 of 4 stars). 2 submissions from 2 submitters: Uncertain significance (2). Last evaluated 2025-10-14.

Conditions:
Familial sleep-related hypermotor epilepsy. Also called: Autosomal Dominant Sleep-Related Hypermotor (Hyperkinetic) Epilepsy. Identifiers: Orphanet 98784, MedGen C3696898, MONDO:0000030.
Inborn genetic diseases. Identifiers: MedGen C0950123, MeSH D030342.

Submissions (2):

Ambry Genetics
Classification: Uncertain significance for Inborn genetic diseases. Last evaluated: 2025-10-14. Review status: criteria provided, single submitter. Criteria: Ambry Variant Classification Scheme 2023. Collection method: clinical testing. Allele origin: germline.

Labcorp Genetics (formerly Invitae), Labcorp
Classification: Uncertain significance. Last evaluated: 2020-02-05. Review status: criteria provided, single submitter. Criteria: Invitae Variant Classification Sherloc (09022015). Collection method: clinical testing. Allele origin: germline.
Comment: This sequence change replaces glutamic acid with lysine at codon 419 of the CHRNA2 protein (p.Glu419Lys). The glutamic acid residue is weakly conserved and there is a small physicochemical difference between glutamic acid and lysine. In summary, the available evidence is currently insufficient to determine the role of this variant in disease. Therefore, it has been classified as a Variant of Uncertain Significance. Algorithms developed to predict the effect of missense changes on protein structure and function (SIFT, PolyPhen-2, Align-GVGD) all suggest that this variant is likely to be tolerated, but these predictions have not been confirmed by published functional studies and their clinical significance is uncertain. This variant has not been reported in the literature in individuals with CHRNA2-related conditions. This variant is not present in population databases (ExAC no frequency).

NM_000742.4(CHRNA2):c.1255G>A (p.Glu419Lys)

Gene: CHRNA2 (cholinergic receptor nicotinic alpha 2 subunit; minus strand). Cytogenetic location: 8p21.2.
Variant type: single nucleotide variant.
Coding change: c.1255G>A on transcript NM_000742.4 (MANE Select); coding-DNA position 1255, G replaced by A.
Protein change: p.Glu419Lys; replaces glutamic acid 419 with lysine.
Molecular consequence: missense variant.
Genome position (GRCh38, 1-based): chr8:27,463,188, C>T on the plus strand (G>A on the coding strand, the complement: CHRNA2 is on the minus strand). VCF-style: chr8-27463188-C-T. GRCh37 (hg19) VCF-style: chr8-27320705-C-T.
Other names: c.1210G>A, p.Glu404Lys (NM_001282455.2); c.778G>A, p.Glu260Lys (NM_001347705.2, NM_001347706.2); c.661G>A, p.Glu221Lys (NM_001347707.2, NM_001347708.2); short protein forms E260K, E221K, E404K, E419K.
Identifiers: ClinVar variation 858056 (VCV000858056.7), dbSNP rs1812560444, ClinGen allele CA370809040.